The following is an entry in ClinVar:

ClinVar aggregate classification (germline): Uncertain significance. Review status: criteria provided, multiple submitters, no conflicts (2 of 4 stars). 3 submissions from 3 submitters: Uncertain significance (3). Last evaluated 2026-04-25.

Conditions:
Inborn genetic diseases. Identifiers: MedGen C0950123, MeSH D030342.

Submissions (3):

Ambry Genetics
Classification: Uncertain significance for Inborn genetic diseases. Last evaluated: 2026-04-25. Review status: criteria provided, single submitter. Criteria: Ambry Variant Classification Scheme 2023. Collection method: clinical testing. Allele origin: germline.
Comment: The p.E133K variant (also known as c.397G>A), located in coding exon 1 of the SAMD9L gene, results from a G to A substitution at nucleotide position 397. The glutamic acid at codon 133 is replaced by lysine, an amino acid with similar properties. This amino acid position is conserved. In addition, this alteration is predicted to be tolerated by in silico analysis. Based on the available evidence, the clinical significance of this variant remains unclear.

GeneDx
Classification: Uncertain significance. Last evaluated: 2024-01-18. Review status: criteria provided, single submitter. Criteria: GeneDx Variant Classification Process June 2021. Collection method: clinical testing. Allele origin: germline. Affected: yes.
Comment: Not observed at significant frequency in large population cohorts (gnomAD); In silico analysis supports that this missense variant does not alter protein structure/function; Has not been previously published as pathogenic or benign to our knowledge

Labcorp Genetics (formerly Invitae), Labcorp
Classification: Uncertain significance. Last evaluated: 2023-01-08. Review status: criteria provided, single submitter. Criteria: Invitae Variant Classification Sherloc (09022015). Collection method: clinical testing. Allele origin: germline.
Comment: This variant is not present in population databases (gnomAD no frequency). In summary, the available evidence is currently insufficient to determine the role of this variant in disease. Therefore, it has been classified as a Variant of Uncertain Significance. Algorithms developed to predict the effect of missense changes on protein structure and function output the following: SIFT: "Not Available"; PolyPhen-2: "Benign"; Align-GVGD: "Not Available". The lysine amino acid residue is found in multiple mammalian species, which suggests that this missense change does not adversely affect protein function. This variant has not been reported in the literature in individuals affected with SAMD9L-related conditions. This sequence change replaces glutamic acid, which is acidic and polar, with lysine, which is basic and polar, at codon 133 of the SAMD9L protein (p.Glu133Lys).

NM_152703.5(SAMD9L):c.397G>A (p.Glu133Lys)

Gene: SAMD9L (sterile alpha motif domain containing 9 like; minus strand). Cytogenetic location: 7q21.2.
Variant type: single nucleotide variant.
Coding change: c.397G>A on transcript NM_152703.5 (MANE Select); coding-DNA position 397, G replaced by A.
Protein change: p.Glu133Lys; replaces glutamic acid 133 with lysine.
Molecular consequence: missense variant.
Genome position (GRCh38, 1-based): chr7:93,135,575, C>T on the plus strand (G>A on the coding strand, the complement: SAMD9L is on the minus strand). VCF-style: chr7-93135575-C-T. GRCh37 (hg19) VCF-style: chr7-92764888-C-T.
Other names: c.397G>A, p.Glu133Lys (NM_001303496.3, NM_001303497.3, NM_001303498.3 and 5 more transcripts); c.397G>A (NM_152703.2, NM_152703.3); short protein forms E133K.
Identifiers: ClinVar variation 2827034 (VCV002827034.5), dbSNP rs1019827475, ClinGen allele CA161963399.